The following is an entry in ClinVar:

NM_052989.3(IFT122):c.3264C>T (p.Tyr1088=)

Gene: IFT122 (intraflagellar transport 122; plus strand). Cytogenetic location: 3q22.1.
Variant type: single nucleotide variant.
Coding change: c.3264C>T on transcript NM_052989.3 (MANE Select); coding-DNA position 3264, C replaced by T.
Protein change: p.Tyr1088=; no amino-acid change (tyrosine 1088 retained).
Molecular consequence: synonymous variant.
Genome position (GRCh38, 1-based): chr3:129,515,598, C>T. VCF-style: chr3-129515598-C-T. GRCh37 (hg19) VCF-style: chr3-129234441-C-T.
Other names: c.3243C>T, p.Tyr1081= (NM_001280541.2); c.2814C>T, p.Tyr938= (NM_001280545.2); c.2637C>T, p.Tyr879= (NM_001280546.2); c.3267C>T, p.Tyr1089= (NM_001410808.1); c.3210C>T, p.Tyr1070= (NM_001410809.1); c.3090C>T, p.Tyr1030= (NM_001410810.1); c.3036C>T, p.Tyr1012= (NM_001410811.1); c.3033C>T, p.Tyr1011= (NM_001410813.1); and 10 more.
Identifiers: ClinVar variation 4084828 (VCV004084828.8).

ClinVar aggregate classification (germline): Likely benign (1 of 4 stars; one submission).

gnomAD v4.1: 23 of 1,451,716 alleles (0.0016%); highest among the groups gnomAD compares: East Asian, 0.0046%; no homozygotes.

Submission:

CeGaT Center for Human Genetics Tuebingen
Classification: Likely benign. Last evaluated: 2025-06-01. Review status: criteria provided, single submitter. Criteria: CeGaT Center For Human Genetics Tuebingen Variant Classification Criteria Version 2. Collection method: clinical testing. Allele origin: germline. Affected: yes. Observed: 1 variant allele.
Comment: IFT122: BP4, BP7